The following is an entry in ClinVar:

ClinVar aggregate classification (germline): Uncertain significance (1 of 4 stars; one submission).

Conditions:
Hereditary sensory neuropathy-deafness-dementia syndrome. Also called: NEUROPATHY, HEREDITARY SENSORY, WITH HEARING LOSS AND DEMENTIA; Hereditary Sensory and Autonomic Neuropathy Type 1E (HSAN1E); Hereditary sensory neuropathy type IE; HSN IE. Identifiers: Orphanet 456318, MedGen C3279885, MONDO:0013584, OMIM 614116.

Submission:

Labcorp Genetics (formerly Invitae), Labcorp
Classification: Uncertain significance for Hereditary sensory neuropathy-deafness-dementia syndrome. Last evaluated: 2021-06-23. Review status: criteria provided, single submitter. Criteria: Invitae Variant Classification Sherloc (09022015). Collection method: clinical testing. Allele origin: germline.
Comment: This sequence change replaces lysine with arginine at codon 1036 of the DNMT1 protein (p.Lys1036Arg). The lysine residue is highly conserved and there is a small physicochemical difference between lysine and arginine. In summary, the available evidence is currently insufficient to determine the role of this variant in disease. Therefore, it has been classified as a Variant of Uncertain Significance. Algorithms developed to predict the effect of sequence changes on RNA splicing suggest that this variant may create or strengthen a splice site, but this prediction has not been confirmed by published transcriptional studies. Algorithms developed to predict the effect of missense changes on protein structure and function are either unavailable or do not agree on the potential impact of this missense change (SIFT: "Deleterious"; PolyPhen-2: "Possibly Damaging"; Align-GVGD: "Class C0"). This variant has not been reported in the literature in individuals with DNMT1-related conditions. This variant is not present in population databases (ExAC no frequency).

NM_001130823.3(DNMT1):c.3107A>G (p.Lys1036Arg)

Gene: DNMT1 (DNA methyltransferase 1; minus strand). Cytogenetic location: 19p13.2.
Variant type: single nucleotide variant.
Coding change: c.3107A>G on transcript NM_001130823.3 (MANE Select); coding-DNA position 3107, A replaced by G.
Protein change: p.Lys1036Arg; replaces lysine 1036 with arginine.
Molecular consequence: missense variant.
Genome position (GRCh38, 1-based): chr19:10,143,775, T>C on the plus strand (A>G on the coding strand, the complement: DNMT1 is on the minus strand). VCF-style: chr19-10143775-T-C. GRCh37 (hg19) VCF-style: chr19-10254451-T-C.
Other names: c.3059A>G, p.Lys1020Arg (NM_001318730.2, NM_001379.4); c.2744A>G, p.Lys915Arg (NM_001318731.2); short protein forms K915R, K1036R, K1020R.
Identifiers: ClinVar variation 1353484 (VCV001353484.8), dbSNP rs2145275671, ClinGen allele CA403975598.
Genomic context (GRCh38, chr19:10,143,775, plus strand): 5'-GCCTTCTAGAAGAGTCTGTGGCCTCGTGGAAGAACAGAGGCCTCTGCTGACCTGTAGAAC[T>C]TGTTGACCCGGATTTTGATGTCAGTCTCATTGGGCCTGCCGTTGCTCTTCTTGGGACAGA-3'
Protein context (NP_001124295.1, residues 1026-1046): NETDIKIRVN[Lys1036Arg]FYRPENTHKS